The following is an entry in ClinVar:

ClinVar aggregate classification (germline): Benign. Review status: criteria provided, multiple submitters, no conflicts (2 of 4 stars). 11 submissions from 11 submitters: Benign (9). 2 of the submissions do not count toward it. Last evaluated 2026-02-04.

Conditions:
Immunodeficiency 35 (IMD35). Also called: TYK2 DEFICIENCY; Susceptibility to infection due to TYK2 deficiency; HIES WITH ATYPICAL MYCOBACTERIOSIS, AUTOSOMAL RECESSIVE; HYPER-IgE SYNDROME WITH ATYPICAL MYCOBACTERIOSIS, AUTOSOMAL RECESSIVE. Identifiers: Orphanet 331226, MedGen C1969086, MONDO:0012682, OMIM 611521.

Allele frequency attached by ClinVar (database versions not stated): gnomAD 0.52527; 1000 Genomes Project 30x 0.53107; TOPMed 0.51566; 1000 Genomes Project 0.53315; gnomAD exomes 0.50059; ESP Exome Variant Server 0.52645; ExAC 0.50821.
gnomAD v4.1: 833,108 of 1,613,552 alleles (52%); highest among the groups gnomAD compares: African/African-American, 57%; 217,520 homozygotes.

Submissions (11):

Labcorp Genetics (formerly Invitae), Labcorp
Classification: Benign for Immunodeficiency 35. Last evaluated: 2026-02-04. Review status: criteria provided, single submitter. Criteria: Invitae Variant Classification Sherloc (09022015). Collection method: clinical testing. Allele origin: germline.

Unidad de Genómica Garrahan, Hospital de Pediatría Garrahan
Classification: Benign. Last evaluated: 2023-11-12. Review status: criteria provided, single submitter. Criteria: ACMG Guidelines, 2015. Collection method: clinical testing. Allele origin: germline. Affected: no. Observed: 63 variant alleles.
Comment: This variant is classified as Benign based on local population frequency. This variant was detected in 66% of patients studied by a panel of primary immunodeficiencies. Number of patients: 63. Only high quality variants are reported.

Mayo Clinic Laboratories, Mayo Clinic
Classification: Benign. Last evaluated: 2022-09-06. Review status: criteria provided, single submitter. Criteria: ACMG Guidelines, 2015. Collection method: clinical testing. Allele origin: germline. Observed: 74 variant alleles.

Genome-Nilou Lab
Classification: Benign for Immunodeficiency 35. Last evaluated: 2021-12-05. Review status: criteria provided, single submitter. Criteria: ACMG Guidelines, 2015. Collection method: clinical testing. Allele origin: germline. Affected: no.

Illumina Laboratory Services, Illumina
Classification: Benign for Immunodeficiency 35. Last evaluated: 2018-01-12. Review status: criteria provided, single submitter. Criteria: ICSL Variant Classification Criteria 13 December 2019. Collection method: clinical testing. Allele origin: germline.
Comment: This variant was observed in the ICSL laboratory as part of a predisposition screen in an ostensibly healthy population. It had not been previously curated by ICSL or reported in the Human Gene Mutation Database (HGMD: prior to June 1st, 2018), and was therefore a candidate for classification through an automated scoring system. Utilizing variant allele frequency, disease prevalence and penetrance estimates, and inheritance mode, an automated score was calculated to assess if this variant is too frequent to cause the disease. Based on the score and internal cut-off values, a variant classified as benign is not then subjected to further curation. The score for this variant resulted in a classification of benign for this disease.

Laboratory for Molecular Medicine, Mass General Brigham Personalized Medicine
Classification: Benign. Last evaluated: 2016-03-28. Review status: criteria provided, single submitter. Criteria: LMM Criteria. Collection method: clinical testing. Allele origin: germline.
Comment: Variant identified in a genome or exome case(s) and assessed due to predicted null impact of the variant or pathogenic assertions in the literature or databases. Disclaimer: This variant has not undergone full assessment. The following are preliminary notes: Frequency

GeneDx
Classification: Benign. Last evaluated: 2015-03-03. Review status: criteria provided, single submitter. Criteria: GeneDx Variant Classification Process June 2021. Collection method: clinical testing. Allele origin: germline. Affected: yes.

Breakthrough Genomics
Classification: Benign. Review status: criteria provided, single submitter. Criteria: ACMG Guidelines, 2015. Collection method: not provided. Allele origin: germline. Inheritance: Autosomal recessive inheritance. Affected: yes.

PreventionGenetics, part of Exact Sciences
Classification: Benign. Review status: criteria provided, single submitter. Criteria: ACMG Guidelines, 2015. Collection method: clinical testing. Allele origin: germline.

Diagnostic Laboratory, Department of Genetics, University Medical Center Groningen
Classification: Benign. Review status: no assertion criteria provided. Collection method: clinical testing. Allele origin: germline. Affected: yes. Study: VKGL Data-share Consensus. Not counted in ClinVar's aggregate classification.

Joint Genome Diagnostic Labs from Nijmegen and Maastricht, Radboudumc and MUMC+
Classification: Likely benign. Review status: no assertion criteria provided. Collection method: clinical testing. Allele origin: germline. Affected: yes. Study: VKGL Data-share Consensus. Not counted in ClinVar's aggregate classification.

NM_003331.5(TYK2):c.1669+7T>C

Gene: TYK2 (tyrosine kinase 2; minus strand). Cytogenetic location: 19p13.2.
Variant type: single nucleotide variant.
Coding change: c.1669+7T>C on transcript NM_003331.5 (MANE Select); 7 bases into the intron after coding-DNA position 1669, T replaced by C.
Molecular consequence: intron variant.
Genome position (GRCh38, 1-based): chr19:10,362,257, A>G on the plus strand (T>C on the coding strand, the complement: TYK2 is on the minus strand). VCF-style: chr19-10362257-A-G. GRCh37 (hg19) VCF-style: chr19-10472933-A-G.
Other names: p.?.
Identifiers: ClinVar variation 259041 (VCV000259041.29), dbSNP rs280519, ClinGen allele CA9193353.